The following is an entry in ClinVar:

ClinVar aggregate classification (germline): Uncertain significance. Review status: criteria provided, multiple submitters, no conflicts (2 of 4 stars). 3 submissions from 3 submitters: Uncertain significance (3). Last evaluated 2024-09-20.

Conditions:
Charcot-Marie-Tooth disease type 4H (CMT4H). Also called: CHARCOT-MARIE-TOOTH DISEASE, AUTOSOMAL RECESSIVE, TYPE 4H; CHARCOT-MARIE-TOOTH DISEASE, DEMYELINATING, AUTOSOMAL RECESSIVE, TYPE 4H; CHARCOT-MARIE-TOOTH NEUROPATHY, TYPE 4H; CHARCOT-MARIE-TOOTH DISEASE, DEMYELINATING, TYPE 4H. Identifiers: Orphanet 99954, MedGen C1836336, MONDO:0012250, OMIM 609311.
Charcot-Marie-Tooth disease type 4. Also called: Charcot-Marie-Tooth disease, type IV; Charcot-Marie-Tooth, Type 4. Identifiers: Orphanet 64749, MedGen C4082197, MONDO:0018995.
Inborn genetic diseases. Identifiers: MedGen C0950123, MeSH D030342.

Allele frequency attached by ClinVar (database versions not stated): gnomAD 0.00001 and 0.00002; TOPMed 0.00002; ExAC 0.00003; gnomAD exomes 0.00004 and 0.00008.

Submissions (3):

Ambry Genetics
Classification: Uncertain significance for Inborn genetic diseases. Last evaluated: 2024-09-20. Review status: criteria provided, single submitter. Criteria: Ambry Variant Classification Scheme 2023. Collection method: clinical testing. Allele origin: germline.

Labcorp Genetics (formerly Invitae), Labcorp
Classification: Uncertain significance for Charcot-Marie-Tooth disease type 4. Last evaluated: 2021-08-30. Review status: criteria provided, single submitter. Criteria: Invitae Variant Classification Sherloc (09022015). Collection method: clinical testing. Allele origin: germline.
Comment: This sequence change replaces aspartic acid with glycine at codon 133 of the FGD4 protein (p.Asp133Gly). The aspartic acid residue is weakly conserved and there is a moderate physicochemical difference between aspartic acid and glycine. This variant is present in population databases (rs759415605, ExAC 0.006%). This variant has not been reported in the literature in individuals affected with FGD4-related conditions. ClinVar contains an entry for this variant (Variation ID: 308286). Algorithms developed to predict the effect of missense changes on protein structure and function output the following: SIFT: "Tolerated"; PolyPhen-2: "Benign"; Align-GVGD: "Class C0". The glycine amino acid residue is found in multiple mammalian species, which suggests that this missense change does not adversely affect protein function. Algorithms developed to predict the effect of sequence changes on RNA splicing suggest that this variant may create or strengthen a splice site. In summary, the available evidence is currently insufficient to determine the role of this variant in disease. Therefore, it has been classified as a Variant of Uncertain Significance.

Illumina Laboratory Services, Illumina
Classification: Uncertain significance for Charcot-Marie-Tooth disease type 4H. Last evaluated: 2018-01-13. Review status: criteria provided, single submitter. Criteria: ICSL Variant Classification Criteria 13 December 2019. Collection method: clinical testing. Allele origin: germline.

NM_001370298.3(FGD4):c.809A>G (p.Asp270Gly)

Gene: FGD4 (FYVE, RhoGEF and PH domain containing 4; plus strand). Cytogenetic location: 12p11.21.
Variant type: single nucleotide variant.
Coding change: c.809A>G on transcript NM_001370298.3 (MANE Select); coding-DNA position 809, A replaced by G.
Protein change: p.Asp270Gly; replaces aspartic acid 270 with glycine.
Molecular consequence: missense variant. On other transcripts: 5 prime UTR variant (2), non-coding transcript variant (1), intron variant (1).
Genome position (GRCh38, 1-based): chr12:32,582,265, A>G. VCF-style: chr12-32582265-A-G. GRCh37 (hg19) VCF-style: chr12-32735199-A-G.
Other names: c.653A>G, p.Asp218Gly (NM_001304481.2); c.-447A>G (NM_001304483.2); c.-754A>G (NM_001304484.2); c.119A>G, p.Asp40Gly (NM_001330373.2, NM_001330374.2, NM_001384130.1); c.809A>G, p.Asp270Gly (NM_001384126.1); c.398A>G, p.Asp133Gly (NM_001384127.1, NM_001384128.1, NM_001384131.1 and 3 more transcripts); c.49-16232A>G (NM_001370297.1); short protein forms D133G, D218G, D40G, D270G.
Identifiers: ClinVar variation 308286 (VCV000308286.13), dbSNP rs759415605, ClinGen allele CA6506628.
Genomic context (GRCh38, chr12:32,582,265, plus strand): 5'-ATACTTCTATTCAAGCTTCTGAACCCTTGCTTGATACGCACATAGTGAATGGAGAAAGAG[A>G]TGAAACTGCCACAGCTCCTGCATCACCCACAACAGACAGCTGTGATGGAAATGCTTCTGA-3'
Protein context (NP_001357227.2, residues 260-280): LDTHIVNGER[Asp270Gly]ETATAPASPT